The following is an entry in ClinVar:

ClinVar aggregate classification (germline): Benign/Likely benign. Review status: criteria provided, multiple submitters, no conflicts (2 of 4 stars). 3 submissions from 3 submitters: Benign (1); Likely benign (2). Last evaluated 2025-11-18.

Conditions:
Nephronophthisis-like nephropathy 1 (NPHPL1). Identifiers: Orphanet 655, MedGen C3150419, MONDO:0013163, OMIM 613159.
XPNPEP3-related disorder. Also called: XPNPEP3-related condition.

Allele frequency attached by ClinVar (database versions not stated): ESP Exome Variant Server 0.00008; ExAC 0.00017.
gnomAD v4.1: 105 of 1,613,906 alleles (0.0065%); highest among the groups gnomAD compares: East Asian, 0.071%; 1 homozygote.

Submissions (3):

Labcorp Genetics (formerly Invitae), Labcorp
Classification: Benign for Nephronophthisis-like nephropathy 1. Last evaluated: 2025-11-18. Review status: criteria provided, single submitter. Criteria: Invitae Variant Classification Sherloc (09022015). Collection method: clinical testing. Allele origin: germline.

Mayo Clinic Laboratories, Mayo Clinic
Classification: Likely benign. Last evaluated: 2025-08-19. Review status: criteria provided, single submitter. Criteria: ACMG Guidelines, 2015. Collection method: clinical testing. Allele origin: germline. Observed: 1 variant allele.
Comment: BS1, BP4_moderate

PreventionGenetics, part of Exact Sciences
Classification: Likely benign for XPNPEP3-related condition. Last evaluated: 2024-10-16. Review status: criteria provided, single submitter. Criteria: ACMG Guidelines, 2015. Collection method: clinical testing. Allele origin: germline.
Comment: This variant is classified as likely benign based on ACMG/AMP sequence variant interpretation guidelines (Richards et al. 2015 PMID: 25741868, with internal and published modifications).

Literature cited by the submitters: PubMed 37599822 (cited by Mayo Clinic Laboratories, Mayo Clinic).

NM_022098.4(XPNPEP3):c.761G>T (p.Arg254Leu)

Gene: XPNPEP3 (X-prolyl aminopeptidase 3; plus strand). Cytogenetic location: 22q13.2.
Variant type: single nucleotide variant.
Coding change: c.761G>T on transcript NM_022098.4 (MANE Select); coding-DNA position 761, G replaced by T.
Protein change: p.Arg254Leu; replaces arginine 254 with leucine.
Molecular consequence: missense variant.
Genome position (GRCh38, 1-based): chr22:40,886,484, G>T. VCF-style: chr22-40886484-G-T. GRCh37 (hg19) VCF-style: chr22-41282488-G-T.
Other names: p.Arg254Leu; c.761G>T (NM_022098.3); short protein forms R254L.
Identifiers: ClinVar variation 2056328 (VCV002056328.6), dbSNP rs373246644, ClinGen allele CA10251710.